The following is an entry in ClinVar:

ClinVar aggregate classification (germline): Likely pathogenic (1 of 4 stars; one submission).

Conditions:
Stickler syndrome type 1 (STL1). Also called: STICKLER SYNDROME, MEMBRANOUS VITREOUS TYPE; STICKLER SYNDROME, VITREOUS TYPE 1; COL2A1-Related Stickler Syndrome; ARTHROOPHTHALMOPATHY, HEREDITARY PROGRESSIVE. Identifiers: Orphanet 828, Orphanet 90653, MedGen C2020284, MONDO:0007160, OMIM 108300.

Submission:

HudsonAlpha Institute for Biotechnology
Classification: Likely pathogenic for Stickler syndrome type 1. Last evaluated: 2021-08-09. Review status: criteria provided, single submitter. Criteria: ACMG Guidelines, 2015. Collection method: research. Allele origin: maternal. Affected: yes. Observed: 1 variant allele. Study: CSER-SouthSeq.
Comment: ACMG codes: PVS1; PM2

NM_001844.5(COL2A1):c.2594del (p.Pro865fs)

Gene: COL2A1 (collagen type II alpha 1 chain; minus strand). Cytogenetic location: 12q13.11.
Variant type: Deletion.
Coding change: c.2594del on transcript NM_001844.5 (MANE Select); coding-DNA position 2594, one base deleted (C; older notation c.2594delC).
Protein change: p.Pro865fs; shifts the reading frame from proline 865.
Molecular consequence: frameshift variant.
Genome position (GRCh38, 1-based): chr12:47,980,585, G deleted on the plus strand (C on the coding strand, the reverse complement: COL2A1 is on the minus strand); the first of 2 consecutive G bases (chr12:47,980,585-47,980,586); deleting either gives the same sequence. VCF-style (leftmost placement, unchanged base first): chr12-47980584-AG-A. GRCh37 (hg19) VCF-style: chr12-48374367-AG-A.
Other names: c.2594delC (NM_001844.5); c.2387del, p.Pro796fs (NM_033150.3); short protein forms P796fs, P865fs.
Identifiers: ClinVar variation 1199416 (VCV001199416.1), dbSNP rs2136537559, ClinGen allele CA2499221662.
Genomic context (GRCh38, chr12:47,980,584, plus strand): 5'-GAACAATTCTTGGAGTGCAGCGTTACCCACCTGAGGCCCAGGTGCTCCAGAGGGGCCCTG[AG>A]GACCAGGGGCACCAGCATCGCCTTTCTGGCCGGCCTCTCCTTGCTCACCCTTGGCCCCAG-3'